The following is an entry in ClinVar:

NM_004431.5(EPHA2):c.1453C>A (p.Arg485Ser)

Gene: EPHA2 (EPH receptor A2; minus strand). Cytogenetic location: 1p36.13.
Variant type: single nucleotide variant.
Coding change: c.1453C>A on transcript NM_004431.5 (MANE Select); coding-DNA position 1453, C replaced by A.
Protein change: p.Arg485Ser; replaces arginine 485 with serine.
Molecular consequence: missense variant.
Genome position (GRCh38, 1-based): chr1:16,135,165, G>T on the plus strand (C>A on the coding strand, the complement: EPHA2 is on the minus strand). VCF-style: chr1-16135165-G-T. GRCh37 (hg19) VCF-style: chr1-16461660-G-T.
Other names: c.1291C>A, p.Arg431Ser (NM_001329090.2); short protein forms R485S, R431S.
Identifiers: ClinVar variation 2086420 (VCV002086420.4), dbSNP rs370741075, ClinGen allele CA338629226.

ClinVar aggregate classification (germline): Uncertain significance (1 of 4 stars; one submission).

Conditions:
Cataract 6 multiple types. Also called: CATARACT 6, POSTERIOR POLAR; CATARACT, AGE-RELATED CORTICAL, 2; CATARACT 6, CONGENITAL TOTAL. Identifiers: Orphanet 91492, MedGen C1861825, MONDO:0007288, OMIM 116600.

Submission:

Labcorp Genetics (formerly Invitae), Labcorp
Classification: Uncertain significance for Cataract 6 multiple types. Last evaluated: 2022-01-16. Review status: criteria provided, single submitter. Criteria: Invitae Variant Classification Sherloc (09022015). Collection method: clinical testing. Allele origin: germline.
Comment: This missense change has been observed in individual(s) with clinical features of autosomal dominant congenital cataracts (Invitae). In summary, the available evidence is currently insufficient to determine the role of this variant in disease. Therefore, it has been classified as a Variant of Uncertain Significance. Algorithms developed to predict the effect of sequence changes on RNA splicing suggest that this variant may create or strengthen a splice site. Advanced modeling of protein sequence and biophysical properties (such as structural, functional, and spatial information, amino acid conservation, physicochemical variation, residue mobility, and thermodynamic stability) performed at Invitae indicates that this missense variant is not expected to disrupt EPHA2 protein function. This variant is not present in population databases (gnomAD no frequency). This sequence change replaces arginine, which is basic and polar, with serine, which is neutral and polar, at codon 485 of the EPHA2 protein (p.Arg485Ser).